The following is an entry in ClinVar:

NM_001231.5(CASQ1):c.10A>G (p.Thr4Ala)

Gene: CASQ1 (calsequestrin 1; plus strand). Cytogenetic location: 1q23.2.
Variant type: single nucleotide variant.
Coding change: c.10A>G on transcript NM_001231.5 (MANE Select); coding-DNA position 10, A replaced by G.
Protein change: p.Thr4Ala; replaces threonine 4 with alanine.
Molecular consequence: missense variant.
Genome position (GRCh38, 1-based): chr1:160,190,761, A>G. VCF-style: chr1-160190761-A-G. GRCh37 (hg19) VCF-style: chr1-160160551-A-G.
Other names: short protein forms T4A.
Identifiers: ClinVar variation 1945307 (VCV001945307.5), dbSNP rs1039248670, ClinGen allele CA31495555.

ClinVar aggregate classification (germline): Uncertain significance (1 of 4 stars; one submission).

Allele frequency attached by ClinVar (database versions not stated): gnomAD exomes below 0.00001; gnomAD 0.00003; TOPMed 0.00005.
gnomAD v4.1: 5 of 1,613,816 alleles (0.00031%); highest among the groups gnomAD compares: African/African-American, 0.0067%; no homozygotes.

Submission:

Labcorp Genetics (formerly Invitae), Labcorp
Classification: Uncertain significance. Last evaluated: 2026-02-04. Review status: criteria provided, single submitter. Criteria: Invitae Variant Classification Sherloc (09022015). Collection method: clinical testing. Allele origin: germline.
Comment: This sequence change replaces threonine, which is neutral and polar, with alanine, which is neutral and non-polar, at codon 4 of the CASQ1 protein (p.Thr4Ala). This variant is not present in population databases (gnomAD no frequency). This variant has not been reported in the literature in individuals affected with CASQ1-related conditions. ClinVar contains an entry for this variant (Variation ID: 1945307). An algorithm developed to predict the effect of missense changes on protein structure and function outputs the following: PolyPhen-2: "Benign". The alanine amino acid residue is found in multiple mammalian species, which suggests that this missense change does not adversely affect protein function. In summary, the available evidence is currently insufficient to determine the role of this variant in disease. Therefore, it has been classified as a Variant of Uncertain Significance.